The following is an entry in ClinVar:

ClinVar aggregate classification (germline): Uncertain significance (1 of 4 stars; one submission).

Submission:

GeneDx
Classification: Uncertain significance. Last evaluated: 2026-03-20. Review status: criteria provided, single submitter. Criteria: GeneDx Variant Classification Process June 2021. Collection method: clinical testing. Allele origin: germline.
Comment: Not observed at significant frequency in large population cohorts (gnomAD); In silico analysis supports a deleterious effect on splicing; In silico analysis suggests that this missense variant does not alter protein structure/function; Has not been previously published as pathogenic or benign to our knowledge

NM_001385012.1(NBEA):c.4930A>G (p.Thr1644Ala)

Gene: NBEA (neurobeachin; plus strand). Cytogenetic location: 13q13.3.
Variant type: single nucleotide variant.
Coding change: c.4930A>G on transcript NM_001385012.1 (MANE Select); coding-DNA position 4930, A replaced by G.
Protein change: p.Thr1644Ala; replaces threonine 1644 with alanine.
Molecular consequence: missense variant.
Genome position (GRCh38, 1-based): chr13:35,195,866, A>G. VCF-style: chr13-35195866-A-G. GRCh37 (hg19) VCF-style: chr13-35770003-A-G.
Other names: c.4921A>G, p.Thr1641Ala (NM_001379245.1); c.4930A>G, p.Thr1644Ala (NM_015678.5); short protein forms T1641A, T1644A.
Identifiers: ClinVar variation 5009549 (VCV005009549.1).